The following is an entry in ClinVar:

NM_007294.4(BRCA1):c.809_810del (p.His270fs)

Gene: BRCA1 (BRCA1 DNA repair associated; minus strand). Cytogenetic location: 17q21.31.
Variant type: Deletion.
Coding change: c.809_810del on transcript NM_007294.4 (MANE Select); coding-DNA positions 809 to 810, 2 bases deleted (AT; older notation c.809_810delAT).
Protein change: p.His270fs; shifts the reading frame from histidine 270.
Molecular consequence: frameshift variant. On other transcripts: intron variant (137), 5 prime UTR variant (2).
Genome position (GRCh38, 1-based): chr17:43,094,721-43,094,722, AT deleted on the plus strand (AT on the coding strand, the reverse complement: BRCA1 is on the minus strand). VCF-style (leftmost placement, unchanged base first): chr17-43094720-CAT-C. GRCh37 (hg19) VCF-style: chr17-41246737-CAT-C.
Other names: c.577+22_577+23del (NM_001408484.1, NM_001408478.1, NM_001408480.1 and 9 more transcripts); c.661+22_661+23del (NM_001408450.1, NM_001408434.1, NM_001408446.1 and 6 more transcripts); c.784+22_784+23del (NM_001408398.1, NM_001407992.1, NM_001408401.1 and 13 more transcripts); c.664+22_664+23del (NM_001408440.1, NM_001408428.1, NM_001408442.1 and 12 more transcripts); c.670+1124_670+1125del (NM_001408418.1, NM_001408422.1, NM_001408423.1 and 2 more transcripts); c.545_546del, p.His182fs (NM_001407925.1, NM_001407933.1, NM_001407926.1 and 9 more transcripts); c.542_543del, p.His181fs (NM_001407930.1, NM_001407932.1, NM_001407931.1 and 2 more transcripts); c.451+22_451+23del (NM_001408508.1, NM_001408509.1); and 40 more; short protein forms H102fs, H223fs, H182fs, H199fs, H200fs, H202fs, H222fs, H228fs.
Identifiers: ClinVar variation 4624991 (VCV004624991.1).

ClinVar aggregate classification (germline): Pathogenic (1 of 4 stars; one submission).

Conditions:
Hereditary cancer-predisposing syndrome. Also called: Neoplastic Syndromes, Hereditary; Tumor predisposition; Hereditary Cancer Syndrome; Hereditary neoplastic syndrome. Identifiers: Orphanet 140162, MedGen C0027672, MeSH D009386, MONDO:0015356.

Submission:

Ambry Genetics
Classification: Pathogenic for Hereditary cancer-predisposing syndrome. Last evaluated: 2025-09-17. Review status: criteria provided, single submitter. Criteria: Ambry Variant Classification Scheme 2023. Collection method: clinical testing. Allele origin: germline.
Comment: The c.809_810delAT pathogenic mutation, located in coding exon 9 of the BRCA1 gene, results from a deletion of two nucleotides at nucleotide positions 809 to 810, causing a translational frameshift with a predicted alternate stop codon (p.H270Rfs*16). This variant is considered to be rare based on population cohorts in the Genome Aggregation Database (gnomAD). This alteration is expected to result in loss of function by premature protein truncation or nonsense-mediated mRNA decay. As such, this alteration is interpreted as a disease-causing mutation.